The following is an entry in ClinVar:

ClinVar aggregate classification (germline): Uncertain significance (1 of 4 stars; one submission).

Conditions:
Inborn genetic diseases. Identifiers: MedGen C0950123, MeSH D030342.

gnomAD v4.1: 1 of 1,609,614 alleles (0.000062%); highest among the groups gnomAD compares: Non-Finnish European, 0.000085%; no homozygotes.

Submission:

Ambry Genetics
Classification: Uncertain significance for Hereditary disease. Last evaluated: 2017-04-28. Review status: criteria provided, single submitter. Criteria: ambry_reporting_categories_2017. Collection method: clinical testing. Allele origin: germline. Affected: yes. Observed: 1 heterozygote. Segregation with disease observed.
Comment: Lines of evidence used in support of classification: UNCERTAIN: Alteration(s) of Uncertain Clinical Significance Detected

Literature cited by the submitters: PubMed 20485450; PubMed 11326274; PubMed 16924025; PubMed 11748509; PubMed 12477709; PubMed 11326275; PubMed 27340224; PubMed 27066572; PubMed 20551311; PubMed 24480790; PubMed 27367160; PubMed 24407264; PubMed 25726841; PubMed 27864268; PubMed 28460589; PubMed 27899622.

NM_198904.4(GABRG2):c.1140G>A (p.Met380Ile)

Gene: GABRG2 (gamma-aminobutyric acid type A receptor subunit gamma2; plus strand). Cytogenetic location: 5q34.
Variant type: single nucleotide variant.
Coding change: c.1140G>A on transcript NM_198904.4 (MANE Select); coding-DNA position 1140, G replaced by A.
Protein change: p.Met380Ile; replaces methionine 380 with isoleucine.
Molecular consequence: missense variant. On other transcripts: intron variant (6).
Genome position (GRCh38, 1-based): chr5:162,151,741, G>A. VCF-style: chr5-162151741-G-A. GRCh37 (hg19) VCF-style: chr5-161578747-G-A.
Other names: c.1131G>A, p.Met377Ile (NM_001375339.1); c.934G>A, p.Val312Ile (NM_001375340.1); c.1137G>A, p.Met379Ile (NM_001375341.1); c.1179G>A, p.Met393Ile (NM_001375344.1); c.1074G>A, p.Met358Ile (NM_001375346.1); c.1053G>A, p.Met351Ile (NM_001375347.1); c.720G>A, p.Met240Ile (NM_001375350.1); c.1260G>A, p.Met420Ile (NM_198903.2); and 6 more; short protein forms M420I, M380I, M240I, M351I, M358I, M377I, M379I, M393I.
Identifiers: ClinVar variation 521624 (VCV000521624.3), dbSNP rs1554101092, ClinGen allele CA362182783.
Genomic context (GRCh38, chr5:162,151,741, plus strand): 5'-TTTTTATTAAAAACAAATGCAATTCTCTTTTCTGTCTACAAACCCAAAGCTTCTTCGGAT[G>A]TTTTCCTTCAAGGTATAATGTTTTTGGAATGGAAATTCACTGCATGCAACTGCTAAATTT-3'
Protein context (NP_944494.1, residues 370-390): DKKKKNPLLR[Met380Ile]FSFKAPTIDI